The following is an entry in ClinVar:

ClinVar aggregate classification (germline): Conflicting classifications of pathogenicity. Review status: criteria provided, conflicting classifications (1 of 4 stars). 3 submissions from 3 submitters: Uncertain significance (1); Likely benign (2). Last evaluated 2025-01-23.

Conditions:
Cardiovascular phenotype. Identifiers: MedGen CN230736.

Allele frequency attached by ClinVar (database versions not stated): ExAC 0.00003; TOPMed 0.00004; gnomAD 0.00005.
gnomAD v4.1: 47 of 1,613,140 alleles (0.0029%); highest among the groups gnomAD compares: Middle Eastern, 0.016%; no homozygotes.

Submissions (3):

Labcorp Genetics (formerly Invitae), Labcorp
Classification: Uncertain significance. Last evaluated: 2025-01-23. Review status: criteria provided, single submitter. Criteria: Invitae Variant Classification Sherloc (09022015). Collection method: clinical testing. Allele origin: germline.
Comment: This sequence change replaces arginine, which is basic and polar, with glutamine, which is neutral and polar, at codon 81 of the EPHB4 protein (p.Arg81Gln). This variant is present in population databases (rs746477743, gnomAD 0.005%). This variant has not been reported in the literature in individuals affected with EPHB4-related conditions. ClinVar contains an entry for this variant (Variation ID: 2450404). Invitae Evidence Modeling of protein sequence and biophysical properties (such as structural, functional, and spatial information, amino acid conservation, physicochemical variation, residue mobility, and thermodynamic stability) indicates that this missense variant is not expected to disrupt EPHB4 protein function with a negative predictive value of 95%. In summary, the available evidence is currently insufficient to determine the role of this variant in disease. Therefore, it has been classified as a Variant of Uncertain Significance.

Blueprint Genetics
Classification: Likely benign. Last evaluated: 2024-01-09. Review status: criteria provided, single submitter. Criteria: ACMG Guidelines, 2015. Collection method: clinical testing. Allele origin: germline.

Ambry Genetics
Classification: Likely benign for Cardiovascular phenotype. Last evaluated: 2022-12-13. Review status: criteria provided, single submitter. Criteria: Ambry Variant Classification Scheme 2023. Collection method: clinical testing. Allele origin: germline.

NM_004444.5(EPHB4):c.242G>A (p.Arg81Gln)

Gene: EPHB4 (EPH receptor B4; minus strand). Cytogenetic location: 7q22.1.
Variant type: single nucleotide variant.
Coding change: c.242G>A on transcript NM_004444.5 (MANE Select); coding-DNA position 242, G replaced by A.
Protein change: p.Arg81Gln; replaces arginine 81 with glutamine.
Molecular consequence: missense variant.
Genome position (GRCh38, 1-based): chr7:100,823,813, C>T on the plus strand (G>A on the coding strand, the complement: EPHB4 is on the minus strand). VCF-style: chr7-100823813-C-T. GRCh37 (hg19) VCF-style: chr7-100421435-C-T.
Other names: short protein forms R81Q.
Identifiers: ClinVar variation 2450404 (VCV002450404.6), dbSNP rs746477743, ClinGen allele CA4393365.